The following is an entry in ClinVar:

ClinVar aggregate classification (germline): Pathogenic (1 of 4 stars; one submission).

Conditions:
Brachyolmia-amelogenesis imperfecta syndrome. Also called: Tooth agenesis, selective, 6; Dental anomalies and short stature; PLATYSPONDYLY WITH AMELOGENESIS IMPERFECTA. Identifiers: Orphanet 2899, MedGen C1832594, MONDO:0011018, OMIM 601216. Disease mechanism: loss of function.

Submission:

Labcorp Genetics (formerly Invitae), Labcorp
Classification: Pathogenic for Brachyolmia-amelogenesis imperfecta syndrome. Last evaluated: 2022-12-06. Review status: criteria provided, single submitter. Criteria: Invitae Variant Classification Sherloc (09022015). Collection method: clinical testing. Allele origin: germline.
Comment: For these reasons, this variant has been classified as Pathogenic. This variant has not been reported in the literature in individuals affected with LTBP3-related conditions. This variant is not present in population databases (gnomAD no frequency). This sequence change creates a premature translational stop signal (p.Gln1072Alafs*139) in the LTBP3 gene. It is expected to result in an absent or disrupted protein product. Loss-of-function variants in LTBP3 are known to be pathogenic (PMID: 11790802, 19344874, 25669657).

Literature cited by the submitters: PubMed 11790802; PubMed 19344874; PubMed 25669657.

NM_001130144.3(LTBP3):c.3213_3214del (p.Gln1072fs)

Genes: LTBP3 (latent transforming growth factor beta binding protein 3; minus strand), LOC121832793 (Sharpr-MPRA regulatory region 4001; plus strand). Cytogenetic location: 11q13.1.
Variant type: Microsatellite.
Coding change: c.3213_3214del on transcript NM_001130144.3 (MANE Select); coding-DNA positions 3213 to 3214, 2 bases deleted (GC; older notation c.3213_3214delGC).
Protein change: p.Gln1072fs; shifts the reading frame from glutamine 1072.
Molecular consequence: frameshift variant.
Genome position (GRCh38, 1-based): chr11:65,540,275-65,540,276, GC deleted on the plus strand (GC on the coding strand, the reverse complement: LTBP3 is on the minus strand); deleting any 2 consecutive bases within chr11:65,540,275-65,540,279 gives the same sequence; the c. name uses the placement nearest the transcript's 3' end. VCF-style (leftmost placement, unchanged base first): chr11-65540274-TGC-T. GRCh37 (hg19) VCF-style: chr11-65307745-TGC-T.
Other names: c.2862_2863del, p.Gln955fs (NM_001164266.1); c.3213_3214del, p.Gln1072fs (NM_021070.4); short protein forms Q1072fs, Q955fs.
Identifiers: ClinVar variation 1455544 (VCV001455544.6), dbSNP rs2135120937, ClinGen allele CA2580615727.